The following is an entry in ClinVar:

ClinVar aggregate classification (germline): Uncertain significance (1 of 4 stars; one submission).

Submission:

GeneDx
Classification: Uncertain significance. Last evaluated: 2026-01-22. Review status: criteria provided, single submitter. Criteria: GeneDx Variant Classification Process June 2021. Collection method: clinical testing. Allele origin: germline.
Comment: Not observed at significant frequency in large population cohorts (gnomAD); In silico analysis supports that this missense variant has a deleterious effect on protein structure/function; Has not been previously published as pathogenic or benign to our knowledge

NM_004387.4(NKX2-5):c.442G>A (p.Ala148Thr)

Gene: NKX2-5 (NK2 homeobox 5; minus strand). Cytogenetic location: 5q35.1.
Variant type: single nucleotide variant.
Coding change: c.442G>A on transcript NM_004387.4 (MANE Select); coding-DNA position 442, G replaced by A.
Protein change: p.Ala148Thr; replaces alanine 148 with threonine.
Molecular consequence: missense variant. On other transcripts: 3 prime UTR variant (2).
Genome position (GRCh38, 1-based): chr5:173,233,102, C>T on the plus strand (G>A on the coding strand, the complement: NKX2-5 is on the minus strand). VCF-style: chr5-173233102-C-T. GRCh37 (hg19) VCF-style: chr5-172660105-C-T.
Other names: c.*395G>A (NM_001166175.2); c.*241G>A (NM_001166176.2); short protein forms A148T.
Identifiers: ClinVar variation 3359511 (VCV003359511.2).